The following is an entry in ClinVar:

NM_001099922.3(ALG13):c.2754ACC[21] (p.Pro940_Pro945dup)

Gene: ALG13 (ALG13 UDP-N-acetylglucosaminyltransferase subunit; plus strand). Cytogenetic location: Xq23.
Variant type: Microsatellite.
Coding change: c.2754ACC[21] on transcript NM_001099922.3 (MANE Select); 21 copies in a row of the 3-base unit ACC starting at c.2754; the reference has 15 copies in a row; six copies, 18 bases duplicated.
Protein change: p.Pro940_Pro945dup.
Molecular consequence: inframe insertion. On other transcripts: intron variant (5).
Genome position (GRCh38, 1-based): chrX:111,744,753-111,744,770, ACCACCACCACCACCACC duplicated; duplicating any 18 consecutive bases within chrX:111,744,726-111,744,770 gives the same sequence; the position shown is the placement nearest the transcript's 3' end. VCF-style (leftmost placement, unchanged base first): chrX-111744725-T-TACCACCACCACCACCACC. GRCh37 (hg19) VCF-style: chrX-110987953-T-TACCACCACCACCACCACC.
Other names: c.2520ACC[21], p.Pro862_Pro867dup (NM_001257231.2); c.2383+7847ACC[21] (NM_001257237.2, NM_001257234.2, NM_001257230.2); c.2209+7847ACC[21] (NM_001324293.1); c.2695+7847ACC[21] (NM_001324292.2).
Identifiers: ClinVar variation 836394 (VCV000836394.7), dbSNP rs750710267, ClinGen allele CA916083996.
Genomic context (GRCh38, chrX:111,744,725, plus strand): 5'-TAGTGATTGCCTCACCATCCTATCCATGCCATTCTGCTATTCCTCATGCTGGTGCCTCTC[T>TACCACCACCACCACCACC]ACCACCACCACCACCACCACCACCACCACCACCACCACCACCACCTCCTCCTCCTCCTCC-3'

ClinVar aggregate classification (germline): Uncertain significance (1 of 4 stars; one submission).

Conditions:
Developmental and epileptic encephalopathy, 36 (DEE36). Also called: Congenital disorder of glycosylation, type Is; Epileptic encephalopathy, early infantile, 36; ALG13-CDG. Identifiers: Orphanet 324422, MedGen C4317295, MONDO:0010472, OMIM 300884.

Submission:

Labcorp Genetics (formerly Invitae), Labcorp
Classification: Uncertain significance for Developmental and epileptic encephalopathy, 36. Last evaluated: 2021-08-26. Review status: criteria provided, single submitter. Criteria: Invitae Variant Classification Sherloc (09022015). Collection method: clinical testing. Allele origin: germline.
Comment: This variant, c.2781_2798dup, results in the insertion of 6 amino acid(s) to the ALG13 protein (p.Pro940_Pro945dup), but otherwise preserves the integrity of the reading frame. The frequency data for this variant in the population databases is considered unreliable, as metrics indicate insufficient coverage at this position in the ExAC database. This variant has not been reported in the literature in individuals affected with ALG13-related conditions. Experimental studies and prediction algorithms are not available or were not evaluated, and the functional significance of this variant is currently unknown. In summary, the available evidence is currently insufficient to determine the role of this variant in disease. Therefore, it has been classified as a Variant of Uncertain Significance.